The following is an entry in ClinVar:

ClinVar aggregate classification (germline): Uncertain significance. Review status: criteria provided, multiple submitters, no conflicts (2 of 4 stars). 3 submissions from 3 submitters: Uncertain significance (3). Last evaluated 2025-07-29.

Conditions:
Frontotemporal dementia and/or amyotrophic lateral sclerosis 6 (FTDALS6). Also called: VCP-Related Amyotrophic Lateral Sclerosis; VCP-Related Amyotrophic Lateral Sclerosis/Frontotemporal Dementia. Identifiers: Orphanet 275872, Orphanet 803, MedGen C5436279, MONDO:0013501, OMIM 613954.
Inclusion body myopathy with Paget disease of bone and frontotemporal dementia. Also called: Inclusion body myopathy with early-onset Paget disease and frontotemporal dementia. Identifiers: Orphanet 52430, MedGen C1833662, MONDO:0000507.

Allele frequency attached by ClinVar (database versions not stated): gnomAD exomes below 0.00001.
gnomAD v4.1: 2 of 1,614,222 alleles (0.00012%); highest among the groups gnomAD compares: Non-Finnish European, 0.00017%; no homozygotes.

Submissions (3):

GeneDx
Classification: Uncertain significance. Last evaluated: 2025-07-29. Review status: criteria provided, single submitter. Criteria: GeneDx Variant Classification Process June 2021. Collection method: clinical testing. Allele origin: germline. Affected: yes.
Comment: Not observed at significant frequency in large population cohorts (gnomAD); In silico analysis suggests that this missense variant does not alter protein structure/function; Has not been previously published as pathogenic or benign to our knowledge

Labcorp Genetics (formerly Invitae), Labcorp
Classification: Uncertain significance for Inclusion body myopathy with Paget disease of bone and frontotemporal dementia; Frontotemporal dementia and/or amyotrophic lateral sclerosis 6. Last evaluated: 2024-10-25. Review status: criteria provided, single submitter. Criteria: Invitae Variant Classification Sherloc (09022015). Collection method: clinical testing. Allele origin: germline.
Comment: This sequence change replaces arginine, which is basic and polar, with glutamine, which is neutral and polar, at codon 65 of the VCP protein (p.Arg65Gln). This variant is not present in population databases (gnomAD no frequency). This variant has not been reported in the literature in individuals affected with VCP-related conditions. ClinVar contains an entry for this variant (Variation ID: 2096454). Invitae Evidence Modeling of protein sequence and biophysical properties (such as structural, functional, and spatial information, amino acid conservation, physicochemical variation, residue mobility, and thermodynamic stability) indicates that this missense variant is expected to disrupt VCP protein function with a positive predictive value of 95%. In summary, the available evidence is currently insufficient to determine the role of this variant in disease. Therefore, it has been classified as a Variant of Uncertain Significance.

Revvity Omics, Revvity
Classification: Uncertain significance. Last evaluated: 2019-12-09. Review status: criteria provided, single submitter. Criteria: ACMG Guidelines, 2015. Collection method: clinical testing. Allele origin: germline.

NM_007126.5(VCP):c.194G>A (p.Arg65Gln)

Gene: VCP (valosin containing protein; minus strand). Cytogenetic location: 9p13.3.
Variant type: single nucleotide variant.
Coding change: c.194G>A on transcript NM_007126.5 (MANE Select); coding-DNA position 194, G replaced by A.
Protein change: p.Arg65Gln; replaces arginine 65 with glutamine.
Molecular consequence: missense variant.
Genome position (GRCh38, 1-based): chr9:35,067,999, C>T on the plus strand (G>A on the coding strand, the complement: VCP is on the minus strand). VCF-style: chr9-35067999-C-T. GRCh37 (hg19) VCF-style: chr9-35067996-C-T.
Other names: c.59G>A, p.Arg20Gln (NM_001354927.2, NM_001354928.2); short protein forms R20Q, R65Q.
Identifiers: ClinVar variation 2096454 (VCV002096454.8), dbSNP rs2490373887, ClinGen allele CA373294172.